The following is an entry in ClinVar:

ClinVar aggregate classification (germline): Uncertain significance (1 of 4 stars; one submission).

Conditions:
Dyskeratosis congenita. Identifiers: Orphanet 1775, MedGen C0265965, MONDO:0015780.

Submission:

Ambry Genetics
Classification: Uncertain significance for Dyskeratosis congenita. Last evaluated: 2026-03-23. Review status: criteria provided, single submitter. Criteria: Ambry Variant Classification Scheme 2023. Collection method: clinical testing. Allele origin: germline.
Comment: The p.H205N variant (also known as c.613C>A), located in coding exon 2 of the TERT gene, results from a C to A substitution at nucleotide position 613. The histidine at codon 205 is replaced by asparagine, an amino acid with similar properties. This amino acid position is conserved. In addition, this alteration is predicted to be tolerated by in silico analysis. Based on the available evidence, the clinical significance of this variant remains unclear.

NM_198253.3(TERT):c.613C>A (p.His205Asn)

Gene: TERT (telomerase reverse transcriptase; minus strand). Cytogenetic location: 5p15.33.
Variant type: single nucleotide variant.
Coding change: c.613C>A on transcript NM_198253.3 (MANE Select); coding-DNA position 613, C replaced by A.
Protein change: p.His205Asn; replaces histidine 205 with asparagine.
Molecular consequence: missense variant. On other transcripts: non-coding transcript variant (2).
Genome position (GRCh38, 1-based): chr5:1,294,273, G>T on the plus strand (C>A on the coding strand, the complement: TERT is on the minus strand). VCF-style: chr5-1294273-G-T. GRCh37 (hg19) VCF-style: chr5-1294388-G-T.
Other names: c.613C>A, p.His205Asn (NM_001193376.3); short protein forms H205N.
Identifiers: ClinVar variation 4865456 (VCV004865456.1).